The following is an entry in ClinVar:

Conditions:
Breast-ovarian cancer, familial, susceptibility to, 1 (BROVCA1). Also called: BRCA1 Hereditary Breast and Ovarian Cancer; OVARIAN CANCER, SUSCEPTIBILITY TO. Identifiers: Orphanet 145, MedGen C2676676, MONDO:0011450, OMIM 604370. Disease mechanism: loss of function.

Allele frequency attached by ClinVar (database versions not stated): gnomAD 0.00001.
gnomAD v4.1: 1 of 1,614,082 alleles (0.000062%); highest among the groups gnomAD compares: Non-Finnish European, 0.000085%; no homozygotes.

Submission:

Brotman Baty Institute, University of Washington
No classification provided (evidence only). Condition: Breast-ovarian cancer, familial 1. Review status: no classification provided. Collection method: in vitro. Allele origin: not applicable. Functional consequence: functionally_normal.
ClinVar note: "not provided" was previously submitted as the classification for the variant. However, the classification appeared to be based only on an observation of functional data so it was converted to no classification on 2025-07-30.

NM_007294.4(BRCA1):c.5441C>T (p.Ala1814Val)

Gene: BRCA1 (BRCA1 DNA repair associated; minus strand). Cytogenetic location: 17q21.31.
Variant type: single nucleotide variant.
Coding change: c.5441C>T on transcript NM_007294.4 (MANE Select); coding-DNA position 5441, C replaced by T.
Protein change: p.Ala1814Val; replaces alanine 1814 with valine.
Molecular consequence: missense variant. On other transcripts: synonymous variant (17).
Genome position (GRCh38, 1-based): chr17:43,047,669, G>A on the plus strand (C>T on the coding strand, the complement: BRCA1 is on the minus strand). VCF-style: chr17-43047669-G-A. GRCh37 (hg19) VCF-style: chr17-41199686-G-A.
Other names: c.2132C>T, p.Ala711Val (NM_001407977.1, NM_001407978.1, NM_001407973.1 and 3 more transcripts); c.2129C>T, p.Ala710Val (NM_001407979.1, NM_001407980.1, NM_001407981.1 and 11 more transcripts); c.2126C>T, p.Ala709Val (NM_001408396.1, NM_001408397.1, NM_001408398.1 and 7 more transcripts); c.2051C>T, p.Ala684Val (NM_001408416.1, NM_001408412.1, NM_001408413.1 and 2 more transcripts); c.2015C>T, p.Ala672Val (NM_001408418.1, NM_001408419.1, NM_001408420.1); c.2012C>T, p.Ala671Val (NM_001408421.1, NM_001408422.1, NM_001408423.1 and 1 more transcripts); c.2009C>T, p.Ala670Val (NM_001408425.1, NM_001408426.1, NM_001408427.1 and 4 more transcripts); c.2006C>T, p.Ala669Val (NM_001408436.1, NM_001408437.1, NM_001408438.1 and 10 more transcripts); and 83 more; short protein forms A1767V, A1814V, A1835V, A710V, A1517V, A1701V, A1730V, A1747V.
Identifiers: ClinVar variation 865520 (VCV000865520.3), dbSNP rs1398117278, ClinGen allele CA10590529.